The following is an entry in ClinVar:

NM_001184900.3(CARD8):c.755A>G (p.His252Arg)

Gene: CARD8 (caspase recruitment domain family member 8; minus strand). Cytogenetic location: 19q13.33.
Variant type: single nucleotide variant.
Coding change: c.755A>G on transcript NM_001184900.3 (MANE Select); coding-DNA position 755, A replaced by G.
Protein change: p.His252Arg; replaces histidine 252 with arginine.
Molecular consequence: missense variant. On other transcripts: non-coding transcript variant (4).
Genome position (GRCh38, 1-based): chr19:48,230,794, T>C on the plus strand (A>G on the coding strand, the complement: CARD8 is on the minus strand). VCF-style: chr19-48230794-T-C. GRCh37 (hg19) VCF-style: chr19-48734051-T-C.
Other names: c.605A>G, p.His202Arg (NM_001184901.1, NM_001351783.2, NM_001351788.2 and 2 more transcripts); c.755A>G, p.His252Arg (NM_001184902.2, NM_001184903.1, NM_001351782.2); c.440A>G, p.His147Arg (NM_001351784.2, NM_001351787.2, NM_001351791.2 and 2 more transcripts); c.419A>G, p.His140Arg (NM_001351786.2); c.512A>G, p.His171Arg (NM_001351790.2); c.755A>G (NM_001184900.1); short protein forms H171R, H252R, H140R, H147R, H202R.
Identifiers: ClinVar variation 1415676 (VCV001415676.7), dbSNP rs142485811, ClinGen allele CA9547933.

ClinVar aggregate classification (germline): Uncertain significance. Review status: criteria provided, multiple submitters, no conflicts (2 of 4 stars). 2 submissions from 2 submitters: Uncertain significance (2). Last evaluated 2025-12-15.

Allele frequency attached by ClinVar (database versions not stated): ExAC 0.00003; gnomAD exomes 0.00005; gnomAD 0.00014 and 0.00017; TOPMed 0.00016; ESP Exome Variant Server 0.00023.
gnomAD v4.1: 55 of 1,613,648 alleles (0.0034%); highest among the groups gnomAD compares: African/African-American, 0.063%; no homozygotes.

Submissions (2):

Labcorp Genetics (formerly Invitae), Labcorp
Classification: Uncertain significance. Last evaluated: 2025-12-15. Review status: criteria provided, single submitter. Criteria: Invitae Variant Classification Sherloc (09022015). Collection method: clinical testing. Allele origin: germline.
Comment: This sequence change replaces histidine, which is basic and polar, with arginine, which is basic and polar, at codon 202 of the CARD8 protein (p.His202Arg). This variant is present in population databases (rs142485811, gnomAD 0.05%). This variant has not been reported in the literature in individuals affected with CARD8-related conditions. ClinVar contains an entry for this variant (Variation ID: 1415676). An algorithm developed to predict the effect of missense changes on protein structure and function (PolyPhen-2) suggests that this variant is likely to be disruptive. In summary, the available evidence is currently insufficient to determine the role of this variant in disease. Therefore, it has been classified as a Variant of Uncertain Significance.

Ambry Genetics
Classification: Uncertain significance. Last evaluated: 2021-07-27. Review status: criteria provided, single submitter. Criteria: Ambry Variant Classification Scheme 2023. Collection method: clinical testing. Allele origin: germline.